The following is an entry in ClinVar:

ClinVar aggregate classification (germline): Uncertain significance (1 of 4 stars; one submission).

Conditions:
Hereditary cancer-predisposing syndrome. Also called: Hereditary Cancer Syndrome; Neoplastic Syndromes, Hereditary; Tumor predisposition; Hereditary neoplastic syndrome. Identifiers: Orphanet 140162, MedGen C0027672, MeSH D009386, MONDO:0015356.

gnomAD v4.1: 4 of 1,613,316 alleles (0.00025%); highest among the groups gnomAD compares: South Asian, 0.0033%; no homozygotes.

Submission:

Ambry Genetics
Classification: Uncertain significance for Hereditary cancer-predisposing syndrome. Last evaluated: 2025-11-27. Review status: criteria provided, single submitter. Criteria: Ambry Variant Classification Scheme 2023. Collection method: clinical testing. Allele origin: germline.
Comment: The p.S2611I variant (also known as c.7832G>T), located in coding exon 52 of the ATM gene, results from a G to T substitution at nucleotide position 7832. The serine at codon 2611 is replaced by isoleucine, an amino acid with dissimilar properties. This amino acid position is conserved. In addition, this alteration is predicted to be tolerated by in silico analysis. Based on the available evidence, the clinical significance of this variant remains unclear.

NM_000051.4(ATM):c.7832G>T (p.Ser2611Ile)

Genes: ATM (ATM serine/threonine kinase; plus strand), C11orf65 (chromosome 11 open reading frame 65; minus strand). Cytogenetic location: 11q22.3.
Variant type: single nucleotide variant.
Coding change: c.7832G>T on transcript NM_000051.4 (MANE Select); coding-DNA position 7832, G replaced by T.
Protein change: p.Ser2611Ile; replaces serine 2611 with isoleucine.
Molecular consequence: missense variant. On other transcripts: intron variant (2).
Genome position (GRCh38, 1-based): chr11:108,332,805, G>T. VCF-style: chr11-108332805-G-T. GRCh37 (hg19) VCF-style: chr11-108203532-G-T.
Other names: c.7832G>T, p.Ser2611Ile (NM_001351834.2); c.641-23734C>A (NM_001330368.2); c.*38+2415C>A (NM_001351110.2); short protein forms S2611I.
Identifiers: ClinVar variation 4618595 (VCV004618595.1).